The following is an entry in ClinVar:

NM_144997.7(FLCN):c.396+59T>C

Gene: FLCN (folliculin; minus strand). Cytogenetic location: 17p11.2.
Variant type: single nucleotide variant.
Coding change: c.396+59T>C on transcript NM_144997.7 (MANE Select); 59 bases into the intron after coding-DNA position 396, T replaced by C.
Molecular consequence: intron variant.
Genome position (GRCh38, 1-based): chr17:17,226,117, A>G on the plus strand (T>C on the coding strand, the complement: FLCN is on the minus strand). VCF-style: chr17-17226117-A-G. GRCh37 (hg19) VCF-style: chr17-17129431-A-G.
Other names: c.396+59T>C (LRG_325t1, NM_001353231.2, NM_001353230.2 and 3 more transcripts).
Identifiers: ClinVar variation 41858 (VCV000041858.5), dbSNP rs41525346, ClinGen allele CA156438.

ClinVar aggregate classification (germline): Benign. Review status: criteria provided, multiple submitters, no conflicts (2 of 4 stars). 4 submissions from 4 submitters: Benign (2). 2 of the submissions do not count toward it. Last evaluated 2023-07-07.

Conditions:
Birt-Hogg-Dube syndrome. Also called: Birt Hogg Dubé syndrome. Identifiers: Orphanet 122, MedGen C0346010, MONDO:0800444.

Allele frequency attached by ClinVar (database versions not stated): TOPMed 0.06194; gnomAD 0.06262 and 0.06134; 1000 Genomes Project 30x 0.05356; 1000 Genomes Project 0.05431; gnomAD exomes 0.07676 and 0.07956; ExAC 0.09828.
gnomAD v4.1: 125,155 of 1,605,736 alleles (7.8%); highest among the groups gnomAD compares: Admixed American, 10%; 5,372 homozygotes.

Submissions (4):

KCCC/NGS Laboratory, Kuwait Cancer Control Center
Classification: Benign for Birt-Hogg-Dube syndrome 1. Last evaluated: 2023-07-07. Review status: criteria provided, single submitter. Criteria: ACMG Guidelines, 2015. Collection method: clinical testing. Allele origin: germline. Affected: yes.

Breakthrough Genomics
Classification: Benign. Review status: criteria provided, single submitter. Criteria: ACMG Guidelines, 2015. Collection method: not provided. Allele origin: germline. Inheritance: Autosomal dominant inheritance. Affected: yes.

ITMI
No classification provided. Condition: AllHighlyPenetrant. Last evaluated: 2013-09-19. Review status: no classification provided. Collection method: reference population. Allele origin: germline. Not counted in ClinVar's aggregate classification.
Comment: Please see associated publication for description of ethnicities

Biesecker Lab/Clinical Genomics Section, National Institutes of Health
Classification: Benign. Last evaluated: 2012-07-13. Review status: no assertion criteria provided. Collection method: research. Allele origin: germline. Affected: no. Observed: 48 variant alleles. Study: ClinSeq. Not counted in ClinVar's aggregate classification.
ClinVar note: Converted during submission from no known pathogenicity to Benign.

Literature cited by the submitters: PubMed 24728327 (cited by ITMI).